The following is an entry in ClinVar:

ClinVar aggregate classification (germline): Conflicting classifications of pathogenicity. Review status: criteria provided, conflicting classifications (1 of 4 stars). 4 submissions from 4 submitters: Uncertain significance (1); Likely benign (3). Last evaluated 2026-03-01.

Conditions:
MEGF10-related myopathy (CMYO10A). Also called: Congenital myopathy 10A, severe variant. Identifiers: Orphanet 439212, MedGen C3280679, MONDO:0013731, OMIM 614399.

Allele frequency attached by ClinVar (database versions not stated): gnomAD exomes 0.00005 and 0.00006; ExAC 0.00007; gnomAD 0.00009; TOPMed 0.00010; ESP Exome Variant Server 0.00015; 1000 Genomes Project 30x 0.00016.
gnomAD v4.1: 88 of 1,613,840 alleles (0.0055%); highest among the groups gnomAD compares: Middle Eastern, 0.033%; no homozygotes.

Submissions (4):

CeGaT Center for Human Genetics Tuebingen
Classification: Likely benign. Last evaluated: 2026-03-01. Review status: criteria provided, single submitter. Criteria: CeGaT Center For Human Genetics Tuebingen Variant Classification Criteria Version 2. Collection method: clinical testing. Allele origin: germline. Affected: yes. Observed: 2 variant alleles.
Comment: MEGF10: BP4, BP7

Labcorp Genetics (formerly Invitae), Labcorp
Classification: Likely benign for MEGF10-related myopathy. Last evaluated: 2025-11-03. Review status: criteria provided, single submitter. Criteria: Invitae Variant Classification Sherloc (09022015). Collection method: clinical testing. Allele origin: germline.

Illumina Laboratory Services, Illumina
Classification: Uncertain significance for MEGF10-related myopathy. Last evaluated: 2018-01-13. Review status: criteria provided, single submitter. Criteria: ICSL Variant Classification Criteria 13 December 2019. Collection method: clinical testing. Allele origin: germline.

GeneDx
Classification: Likely benign. Last evaluated: 2017-11-07. Review status: criteria provided, single submitter. Criteria: GeneDx Variant Classification (06012015). Collection method: clinical testing. Allele origin: germline. Affected: yes.
Comment: This variant is considered likely benign or benign based on one or more of the following criteria: it is a conservative change, it occurs at a poorly conserved position in the protein, it is predicted to be benign by multiple in silico algorithms, and/or has population frequency not consistent with disease.

NM_001256545.2(MEGF10):c.2943G>A (p.Pro981=)

Gene: MEGF10 (multiple EGF like domains 10; plus strand). Cytogenetic location: 5q23.2.
Variant type: single nucleotide variant.
Coding change: c.2943G>A on transcript NM_001256545.2 (MANE Select); coding-DNA position 2943, G replaced by A.
Protein change: p.Pro981=; no amino-acid change (proline 981 retained).
Molecular consequence: synonymous variant.
Genome position (GRCh38, 1-based): chr5:127,449,185, G>A. VCF-style: chr5-127449185-G-A. GRCh37 (hg19) VCF-style: chr5-126784877-G-A.
Other names: c.2943G>A, p.Pro981= (NM_032446.3).
Identifiers: ClinVar variation 508803 (VCV000508803.35), dbSNP rs371253627, ClinGen allele CA3392074.